The following is an entry in ClinVar:

NM_001271.4(CHD2):c.3862C>T (p.Pro1288Ser)

Gene: CHD2 (chromodomain helicase DNA binding protein 2; plus strand). Cytogenetic location: 15q26.1.
Variant type: single nucleotide variant.
Coding change: c.3862C>T on transcript NM_001271.4 (MANE Select); coding-DNA position 3862, C replaced by T.
Protein change: p.Pro1288Ser; replaces proline 1288 with serine.
Molecular consequence: missense variant.
Genome position (GRCh38, 1-based): chr15:92,997,380, C>T. VCF-style: chr15-92997380-C-T. GRCh37 (hg19) VCF-style: chr15-93540610-C-T.
Other names: short protein forms P1288S.
Identifiers: ClinVar variation 836111 (VCV000836111.11), dbSNP rs2054201108, ClinGen allele CA393898756.
Genomic context (GRCh38, chr15:92,997,380, plus strand): 5'-CGCCTGTTGCTGGGGATTTATGAACATGGCTATGGAAACTGGGAGTTAATTAAAACAGAC[C>T]CAGAGCTTAAATTAACTGACAAAGTAAGTAACCCTACCATGCTAGAGATTTCTAGAAGAT-3'
Protein context (NP_001262.3, residues 1278-1298): YGNWELIKTD[Pro1288Ser]ELKLTDKILP

ClinVar aggregate classification (germline): Uncertain significance. Review status: criteria provided, multiple submitters, no conflicts (2 of 4 stars). 2 submissions from 2 submitters: Uncertain significance (2). Last evaluated 2025-05-13.

Conditions:
Developmental and epileptic encephalopathy 94 (DEE94). Also called: Epileptic encephalopathy, childhood-onset; CHD2-Related Neurodevelopmental Disorders. Identifiers: Orphanet 1942, Orphanet 2382, MedGen C3809278, MONDO:0014150, OMIM 615369.

Submissions (2):

GeneDx
Classification: Uncertain significance. Last evaluated: 2025-05-13. Review status: criteria provided, single submitter. Criteria: GeneDx Variant Classification Process June 2021. Collection method: clinical testing. Allele origin: germline. Affected: yes.
Comment: Not observed at significant frequency in large population cohorts (gnomAD); In silico analysis supports that this missense variant has a deleterious effect on protein structure/function; Has not been previously published as pathogenic or benign to our knowledge

Labcorp Genetics (formerly Invitae), Labcorp
Classification: Uncertain significance for Developmental and epileptic encephalopathy 94. Last evaluated: 2023-08-30. Review status: criteria provided, single submitter. Criteria: Invitae Variant Classification Sherloc (09022015). Collection method: clinical testing. Allele origin: germline.
Comment: This sequence change replaces proline, which is neutral and non-polar, with serine, which is neutral and polar, at codon 1288 of the CHD2 protein (p.Pro1288Ser). This variant is not present in population databases (gnomAD no frequency). This variant has not been reported in the literature in individuals affected with CHD2-related conditions. ClinVar contains an entry for this variant (Variation ID: 836111). Advanced modeling of protein sequence and biophysical properties (such as structural, functional, and spatial information, amino acid conservation, physicochemical variation, residue mobility, and thermodynamic stability) performed at Invitae indicates that this missense variant is not expected to disrupt CHD2 protein function. In summary, the available evidence is currently insufficient to determine the role of this variant in disease. Therefore, it has been classified as a Variant of Uncertain Significance.